The following is an entry in ClinVar:

ClinVar aggregate classification (germline): Uncertain significance (1 of 4 stars; one submission).

Conditions:
Combined immunodeficiency due to DOCK8 deficiency (HIES2). Also called: HIES autosomal recessive; Hyper-IgE recurrent infection syndrome, autosomal recessive; DOCK8 Deficiency; HYPER-IgE RECURRENT INFECTION SYNDROME 2, AUTOSOMAL RECESSIVE; HYPER-IgE SYNDROME 2, AUTOSOMAL RECESSIVE, WITH RECURRENT INFECTIONS. Identifiers: Orphanet 217390, MedGen C4722305, MONDO:0009478, OMIM 243700.

gnomAD v4.1: 9 of 1,613,944 alleles (0.00056%); highest among the groups gnomAD compares: African/African-American, 0.0093%; no homozygotes.

Submission:

Labcorp Genetics (formerly Invitae), Labcorp
Classification: Uncertain significance for Combined immunodeficiency due to DOCK8 deficiency. Last evaluated: 2025-10-08. Review status: criteria provided, single submitter. Criteria: Invitae Variant Classification Sherloc (09022015). Collection method: clinical testing. Allele origin: germline.
Comment: This sequence change replaces serine, which is neutral and polar, with asparagine, which is neutral and polar, at codon 1605 of the DOCK8 protein (p.Ser1605Asn). This variant is present in population databases (rs201519202, gnomAD 0.01%). This variant has not been reported in the literature in individuals affected with DOCK8-related conditions. Invitae Evidence Modeling of protein sequence and biophysical properties (such as structural, functional, and spatial information, amino acid conservation, physicochemical variation, residue mobility, and thermodynamic stability) indicates that this missense variant is not expected to disrupt DOCK8 protein function with a negative predictive value of 80%. In summary, the available evidence is currently insufficient to determine the role of this variant in disease. Therefore, it has been classified as a Variant of Uncertain Significance.

NM_203447.4(DOCK8):c.4814G>A (p.Ser1605Asn)

Gene: DOCK8 (dedicator of cytokinesis 8; plus strand). Cytogenetic location: 9p24.3.
Variant type: single nucleotide variant.
Coding change: c.4814G>A on transcript NM_203447.4 (MANE Select); coding-DNA position 4814, G replaced by A.
Protein change: p.Ser1605Asn; replaces serine 1605 with asparagine.
Molecular consequence: missense variant.
Genome position (GRCh38, 1-based): chr9:433,903, G>A. VCF-style: chr9-433903-G-A. GRCh37 (hg19) VCF-style: chr9-433903-G-A.
Other names: c.4514G>A, p.Ser1505Asn (NM_001190458.2); c.4610G>A, p.Ser1537Asn (NM_001193536.2); short protein forms S1537N, S1505N, S1605N.
Identifiers: ClinVar variation 4753445 (VCV004753445.1).